The following is an entry in ClinVar:

ClinVar aggregate classification (germline): Benign (1 of 4 stars; one submission).

Submission:

ISCA site 4
Classification: Benign. Last evaluated: 2011-08-12. Review status: criteria provided, single submitter. Criteria: Kaminsky et al. (Genet Med. 2011). Collection method: clinical testing. Allele origin: paternal. Affected: yes. Observed: 1 variant allele.
Comment: Copy number variation identified through the course of routine clinical cytogenomic testing in postnatal populations. Clinical assertions have been curated as described in Kaminsky et al. 2011.

GRCh38/hg38 2p22.3(chr2:32452646-33032447)x3

Genes: BIRC6 (baculoviral IAP repeat containing 6; plus strand), BIRC6-AS2 (BIRC6 antisense RNA 2; minus strand), LINC00486 (long intergenic non-protein coding RNA 486; plus strand), LTBP1 (latent transforming growth factor beta binding protein 1; plus strand), MIR4765 (microRNA 4765; plus strand) and 12 more. Cytogenetic location: 2p22.3.
Variant type: copy number gain.
Change: copy number 3 (three copies instead of two) of chr2:32,452,646-33,032,447 (579.8 kb, GRCh38 coordinates, 1-based), cytogenetic band 2p22.3.
Identifiers: ClinVar variation 160839 (VCV000160839.1).